The following is an entry in ClinVar:

NM_001353453.3(CCDC160):c.198T>C (p.Tyr66=)

Gene: CCDC160 (coiled-coil domain containing 160; plus strand). Cytogenetic location: Xq26.2.
Variant type: single nucleotide variant.
Coding change: c.198T>C on transcript NM_001353453.3 (MANE Select); coding-DNA position 198, T replaced by C.
Protein change: p.Tyr66=; no amino-acid change (tyrosine 66 retained).
Molecular consequence: synonymous variant.
Genome position (GRCh38, 1-based): chrX:134,244,998, T>C. VCF-style: chrX-134244998-T-C. GRCh37 (hg19) VCF-style: chrX-133379028-T-C.
Other names: c.198T>C, p.Tyr66= (NM_001101357.3, NM_001393996.1).
Identifiers: ClinVar variation 2661470 (VCV002661470.24), dbSNP rs367640741, ClinGen allele CA10521043.

ClinVar aggregate classification (germline): Likely benign (1 of 4 stars; one submission).

Allele frequency attached by ClinVar (database versions not stated): ESP Exome Variant Server 0.00022; 1000 Genomes Project 0.00026; TOPMed 0.00031; 1000 Genomes Project 30x 0.00042; gnomAD 0.00045; ExAC 0.00053; gnomAD exomes 0.00082.
gnomAD v4.1: 914 of 1,176,789 alleles (0.078%); highest among the groups gnomAD compares: Non-Finnish European, 0.1%; no homozygotes.

Submission:

CeGaT Center for Human Genetics Tuebingen
Classification: Likely benign. Last evaluated: 2023-04-01. Review status: criteria provided, single submitter. Criteria: CeGaT Center For Human Genetics Tuebingen Variant Classification Criteria Version 2. Collection method: clinical testing. Allele origin: germline. Affected: yes. Observed: 1 variant allele.
Comment: CCDC160: BP4, BP7, BS2